The following is an entry in ClinVar:

ClinVar aggregate classification (germline): Uncertain significance (1 of 4 stars; one submission).

Conditions:
Dilated cardiomyopathy 1KK (CMD1KK). Identifiers: Orphanet 154, Orphanet 75249, MedGen C3714995, MONDO:0014100, OMIM 615248.

Allele frequency attached by ClinVar (database versions not stated): ExAC 0.00001.

Submission:

Labcorp Genetics (formerly Invitae), Labcorp
Classification: Uncertain significance for Dilated cardiomyopathy 1KK. Last evaluated: 2022-06-25. Review status: criteria provided, single submitter. Criteria: Invitae Variant Classification Sherloc (09022015). Collection method: clinical testing. Allele origin: germline.
Comment: In summary, the available evidence is currently insufficient to determine the role of this variant in disease. Therefore, it has been classified as a Variant of Uncertain Significance. Algorithms developed to predict the effect of missense changes on protein structure and function (SIFT, PolyPhen-2, Align-GVGD) all suggest that this variant is likely to be tolerated. This variant has not been reported in the literature in individuals affected with MYPN-related conditions. This variant is present in population databases (rs775808908, gnomAD 0.0009%). This sequence change replaces threonine, which is neutral and polar, with serine, which is neutral and polar, at codon 623 of the MYPN protein (p.Thr623Ser).

NM_032578.4(MYPN):c.1867A>T (p.Thr623Ser)

Gene: MYPN (myopalladin; plus strand). Cytogenetic location: 10q21.3.
Variant type: single nucleotide variant.
Coding change: c.1867A>T on transcript NM_032578.4 (MANE Select); coding-DNA position 1867, A replaced by T.
Protein change: p.Thr623Ser; replaces threonine 623 with serine.
Molecular consequence: missense variant. On other transcripts: non-coding transcript variant (2).
Genome position (GRCh38, 1-based): chr10:68,166,560, A>T. VCF-style: chr10-68166560-A-T. GRCh37 (hg19) VCF-style: chr10-69926317-A-T.
Other names: c.1867A>T, p.Thr623Ser (NM_001256267.2); c.985A>T, p.Thr329Ser (NM_001256268.2); short protein forms T329S, T623S.
Identifiers: ClinVar variation 2010576 (VCV002010576.4), dbSNP rs775808908, ClinGen allele CA5522671.